The following is an entry in ClinVar:

ClinVar aggregate classification (germline): Uncertain significance. Review status: criteria provided, single submitter (1 of 4 stars). 2 submissions from 2 submitters: Uncertain significance (1). 1 of the submissions does not count toward it. Last evaluated 2023-02-28.

Conditions:
Inborn genetic diseases. Identifiers: MedGen C0950123, MeSH D030342.
PLEC-related disorder. Also called: PLEC-related disorders; PLEC-related condition.

Submissions (2):

Ambry Genetics
Classification: Uncertain significance for Inborn genetic diseases. Last evaluated: 2023-02-28. Review status: criteria provided, single submitter. Criteria: Ambry Variant Classification Scheme 2023. Collection method: clinical testing. Allele origin: germline.

PreventionGenetics, part of Exact Sciences
Classification: Uncertain significance for PLEC-related condition. Last evaluated: 2024-06-12. Review status: no assertion criteria provided. Collection method: clinical testing. Allele origin: germline. Not counted in ClinVar's aggregate classification.
Comment: The PLEC c.13292G>C variant is predicted to result in the amino acid substitution p.Gly4431Ala. To our knowledge, this variant has not been reported in the literature or in a large population database, indicating this variant is rare. At this time, the clinical significance of this variant is uncertain due to the absence of conclusive functional and genetic evidence.

NM_201384.3(PLEC):c.13211G>C (p.Gly4404Ala)

Gene: PLEC (plectin; minus strand). Cytogenetic location: 8q24.3.
Variant type: single nucleotide variant.
Coding change: c.13211G>C on transcript NM_201384.3 (MANE Select); coding-DNA position 13211, G replaced by C.
Protein change: p.Gly4404Ala; replaces glycine 4404 with alanine.
Molecular consequence: missense variant.
Genome position (GRCh38, 1-based): chr8:143,916,610, C>G on the plus strand (G>C on the coding strand, the complement: PLEC is on the minus strand). VCF-style: chr8-143916610-C-G. GRCh37 (hg19) VCF-style: chr8-144990778-C-G.
Other names: c.13292G>C, p.Gly4431Ala (NM_000445.5); c.9911G>C, p.Gly3304Ala (NM_001410941.1); c.13169G>C, p.Gly4390Ala (NM_201378.4); c.13145G>C, p.Gly4382Ala (NM_201379.3); c.13622G>C, p.Gly4541Ala (NM_201380.4); c.13115G>C, p.Gly4372Ala (NM_201381.3); c.13211G>C, p.Gly4404Ala (NM_201382.4); c.13223G>C, p.Gly4408Ala (NM_201383.3); and 1 more; short protein forms G4408A, G4431A, G4372A, G4404A, G3304A, G4382A, G4390A, G4541A.
Identifiers: ClinVar variation 2491342 (VCV002491342.3), dbSNP rs2539156515, ClinGen allele CA372475966.